The following is an entry in ClinVar:

NM_052947.4(ALPK2):c.482C>G (p.Ala161Gly)

Gene: ALPK2 (alpha kinase 2; minus strand). Cytogenetic location: 18q21.31.
Variant type: single nucleotide variant.
Coding change: c.482C>G on transcript NM_052947.4 (MANE Select); coding-DNA position 482, C replaced by G.
Protein change: p.Ala161Gly; replaces alanine 161 with glycine.
Molecular consequence: missense variant.
Genome position (GRCh38, 1-based): chr18:58,580,294, G>C on the plus strand (C>G on the coding strand, the complement: ALPK2 is on the minus strand). VCF-style: chr18-58580294-G-C. GRCh37 (hg19) VCF-style: chr18-56247526-G-C.
Other names: short protein forms A161G.
Identifiers: ClinVar variation 1743411 (VCV001743411.2), dbSNP rs1338637393, ClinGen allele CA402567876.

ClinVar aggregate classification (germline): Uncertain significance (1 of 4 stars; one submission).

Submission:

Ambry Genetics
Classification: Uncertain significance. Last evaluated: 2021-11-22. Review status: criteria provided, single submitter. Criteria: Ambry Variant Classification Scheme 2023. Collection method: clinical testing. Allele origin: germline.
Comment: The p.A161G variant (also known as c.482C>G), located in coding exon 3 of the ALPK2 gene, results from a C to G substitution at nucleotide position 482. The alanine at codon 161 is replaced by glycine, an amino acid with similar properties. This amino acid position is conserved. In addition, this alteration is predicted to be tolerated by in silico analysis. Since supporting evidence is limited at this time, the clinical significance of this alteration remains unclear.